The following is an entry in ClinVar:

ClinVar aggregate classification (germline): Pathogenic (0 of 4 stars; one submission).

Conditions:
Angelman syndrome (AS). Also called: HAPPY PUPPET SYNDROME. Identifiers: Orphanet 72, MedGen C0162635, MONDO:0007113, OMIM 105830. Disease mechanism: loss of function. Inheritance: AS is caused by disruption of maternally imprinted UBE3A located within the 15q11.2-q13 Angelman syndrome/Prader-Willi syndrome (AS/PWS) region., imprinting disorder.

Submission:

Baylor Genetics
Classification: Pathogenic for Angelman Syndrome. Last evaluated: 2014-02-14. Review status: no assertion criteria provided. Collection method: clinical testing. Allele origin: germline. Affected: yes. Observed: 1 variant allele. Study: UBE3A Mutation Study.
Comment: Data collected from clinical UBE3A sequence analysis results

Literature cited by the submitters: PubMed 25212744.

NM_130839.5(UBE3A):c.362-2A>T

Genes: SNHG14 (small nucleolar RNA host gene 14; plus strand), UBE3A (ubiquitin protein ligase E3A; minus strand). Cytogenetic location: 15q11.2.
Variant type: single nucleotide variant.
Coding change: c.362-2A>T on transcript NM_130839.5 (MANE Select); the canonical splice acceptor site of the intron before coding-DNA position 362, A replaced by T.
Molecular consequence: splice acceptor variant. On other transcripts: intron variant (2).
Genome position (GRCh38, 1-based): chr15:25,371,814, T>A on the plus strand (A>T on the coding strand, the complement: UBE3A is on the minus strand). VCF-style: chr15-25371814-T-A. GRCh37 (hg19) VCF-style: chr15-25616961-T-A.
Other names: c.185-2A>T (NM_001354546.2); c.301+3651A>T (NM_001354551.2); c.302-2A>T (NM_001354549.2, NM_001354548.2, NM_130838.4 and 17 more transcripts); c.361+3651A>T (NM_001354550.2); c.362-2A>T (NM_001354545.2, NM_001354538.2, NM_001354505.1); c.371-2A>T (NM_000462.5).
Identifiers: ClinVar variation 136200 (VCV000136200.1), dbSNP rs587780578, ClinGen allele CA333475.